The following is an entry in ClinVar:

ClinVar aggregate classification (germline): Uncertain significance. Review status: criteria provided, multiple submitters, no conflicts (2 of 4 stars). 3 submissions from 3 submitters: Uncertain significance (3). Last evaluated 2026-01-14.

Conditions:
Inborn genetic diseases. Identifiers: MedGen C0950123, MeSH D030342.

Allele frequency attached by ClinVar (database versions not stated): TOPMed 0.00003; 1000 Genomes Project 30x 0.00016; gnomAD exomes 0.00003 and 0.00008; gnomAD 0.00003 and 0.00001; ExAC 0.00018.
gnomAD v4.1: 47 of 1,605,112 alleles (0.0029%); highest among the groups gnomAD compares: Non-Finnish European, 0.0039%; no homozygotes.

Submissions (3):

GeneDx
Classification: Uncertain significance. Last evaluated: 2026-01-14. Review status: criteria provided, single submitter. Criteria: GeneDx Variant Classification Process June 2021. Collection method: clinical testing. Allele origin: germline.
Comment: In silico analysis suggests that this missense variant does not alter protein structure/function; Has not been previously published as pathogenic or benign to our knowledge

Labcorp Genetics (formerly Invitae), Labcorp
Classification: Uncertain significance. Last evaluated: 2022-08-21. Review status: criteria provided, single submitter. Criteria: Invitae Variant Classification Sherloc (09022015). Collection method: clinical testing. Allele origin: germline.
Comment: This sequence change replaces alanine, which is neutral and non-polar, with valine, which is neutral and non-polar, at codon 16 of the PPA2 protein (p.Ala16Val). This variant is present in population databases (rs774621416, gnomAD 0.02%). This variant has not been reported in the literature in individuals affected with PPA2-related conditions. ClinVar contains an entry for this variant (Variation ID: 1362687). Algorithms developed to predict the effect of missense changes on protein structure and function are either unavailable or do not agree on the potential impact of this missense change (SIFT: "Tolerated"; PolyPhen-2: "Probably Damaging"; Align-GVGD: "Class C0"). In summary, the available evidence is currently insufficient to determine the role of this variant in disease. Therefore, it has been classified as a Variant of Uncertain Significance.

Ambry Genetics
Classification: Uncertain significance for Inborn genetic diseases. Last evaluated: 2021-02-01. Review status: criteria provided, single submitter. Criteria: Ambry Variant Classification Scheme 2023. Collection method: clinical testing. Allele origin: germline.

NM_176869.3(PPA2):c.47C>T (p.Ala16Val)

Gene: PPA2 (inorganic pyrophosphatase 2; minus strand). Cytogenetic location: 4q24.
Variant type: single nucleotide variant.
Coding change: c.47C>T on transcript NM_176869.3 (MANE Select); coding-DNA position 47, C replaced by T.
Protein change: p.Ala16Val; replaces alanine 16 with valine.
Molecular consequence: missense variant.
Genome position (GRCh38, 1-based): chr4:105,474,004, G>A on the plus strand (C>T on the coding strand, the complement: PPA2 is on the minus strand). VCF-style: chr4-105474004-G-A. GRCh37 (hg19) VCF-style: chr4-106395161-G-A.
Other names: c.47C>T, p.Ala16Val (NM_006903.4, NM_176866.2, NM_176867.3); c.47C>T (NM_176869.2); short protein forms A16V.
Identifiers: ClinVar variation 1362687 (VCV001362687.6), dbSNP rs774621416, ClinGen allele CA3032866.